The following is an entry in ClinVar:

NM_017849.4(TMEM127):c.90C>G (p.Ser30Arg)

Genes: TMEM127 (transmembrane protein 127; minus strand), LOC129934333 (ATAC-STARR-seq lymphoblastoid silent region 11759; plus strand). Cytogenetic location: 2q11.2.
Variant type: single nucleotide variant.
Coding change: c.90C>G on transcript NM_017849.4 (MANE Select); coding-DNA position 90, C replaced by G.
Protein change: p.Ser30Arg; replaces serine 30 with arginine.
Molecular consequence: missense variant.
Genome position (GRCh38, 1-based): chr2:96,265,292, G>C on the plus strand (C>G on the coding strand, the complement: TMEM127 is on the minus strand). VCF-style: chr2-96265292-G-C. GRCh37 (hg19) VCF-style: chr2-96931030-G-C.
Other names: c.90C>G (NM_017849.3); c.90C>G, p.Ser30Arg (NM_001193304.3); short protein forms S30R.
Identifiers: ClinVar variation 1388300 (VCV001388300.7), dbSNP rs2104308073, ClinGen allele CA347656132.

ClinVar aggregate classification (germline): Uncertain significance. Review status: criteria provided, multiple submitters, no conflicts (2 of 4 stars). 2 submissions from 2 submitters: Uncertain significance (2). Last evaluated 2025-08-10.

Conditions:
Hereditary pheochromocytoma and paraganglioma. Also called: Hereditary paragangliomas and pheochromocytomas; Hereditary Paraganglioma-Pheochromocytoma Syndromes; Hereditary pheochromocytoma-paraganglioma. Identifiers: Orphanet 29072, MedGen C4274332, MONDO:0017366.
Hereditary cancer-predisposing syndrome. Also called: Tumor predisposition; Hereditary Cancer Syndrome; Hereditary neoplastic syndrome; Neoplastic Syndromes, Hereditary. Identifiers: Orphanet 140162, MedGen C0027672, MeSH D009386, MONDO:0015356.

Submissions (2):

Ambry Genetics
Classification: Uncertain significance for Hereditary cancer-predisposing syndrome. Last evaluated: 2025-08-10. Review status: criteria provided, single submitter. Criteria: Ambry Variant Classification Scheme 2023. Collection method: clinical testing. Allele origin: germline.
Comment: The p.S30R variant (also known as c.90C>G), located in coding exon 1 of the TMEM127 gene, results from a C to G substitution at nucleotide position 90. The serine at codon 30 is replaced by arginine, an amino acid with dissimilar properties. This amino acid position is conserved. In addition, this alteration is predicted to be deleterious by in silico analysis. Based on the available evidence, the clinical significance of this variant remains unclear.

Labcorp Genetics (formerly Invitae), Labcorp
Classification: Uncertain significance for Hereditary pheochromocytoma and paraganglioma. Last evaluated: 2021-10-21. Review status: criteria provided, single submitter. Criteria: Invitae Variant Classification Sherloc (09022015). Collection method: clinical testing. Allele origin: germline.
Comment: In summary, the available evidence is currently insufficient to determine the role of this variant in disease. Therefore, it has been classified as a Variant of Uncertain Significance. Algorithms developed to predict the effect of missense changes on protein structure and function are either unavailable or do not agree on the potential impact of this missense change (SIFT: "Deleterious"; PolyPhen-2: "Possibly Damaging"; Align-GVGD: "Class C0"). This variant has not been reported in the literature in individuals affected with TMEM127-related conditions. The frequency data for this variant in the population databases is considered unreliable, as metrics indicate insufficient coverage at this position in the ExAC database. This sequence change replaces serine with arginine at codon 30 of the TMEM127 protein (p.Ser30Arg). The serine residue is highly conserved and there is a moderate physicochemical difference between serine and arginine.